The following is an entry in ClinVar:

ClinVar aggregate classification (germline): Uncertain significance (1 of 4 stars; one submission).

Allele frequency attached by ClinVar (database versions not stated): ExAC 0.00001; gnomAD 0.00001; 1000 Genomes Project 0.00020; 1000 Genomes Project 30x 0.00031.
gnomAD v4.1: 1 of 1,614,076 alleles (0.000062%); highest among the groups gnomAD compares: Admixed American, 0.0017%; no homozygotes.

Submission:

Labcorp Genetics (formerly Invitae), Labcorp
Classification: Uncertain significance. Last evaluated: 2024-01-09. Review status: criteria provided, single submitter. Criteria: Invitae Variant Classification Sherloc (09022015). Collection method: clinical testing. Allele origin: germline.
Comment: This sequence change replaces leucine, which is neutral and non-polar, with phenylalanine, which is neutral and non-polar, at codon 3230 of the MACF1 protein (p.Leu3230Phe). This variant is present in population databases (rs574506146, gnomAD 0.003%). This variant has not been reported in the literature in individuals affected with MACF1-related conditions. An algorithm developed to predict the effect of missense changes on protein structure and function (PolyPhen-2) suggests that this variant is likely to be disruptive. In summary, the available evidence is currently insufficient to determine the role of this variant in disease. Therefore, it has been classified as a Variant of Uncertain Significance.

NM_001394062.1(MACF1):c.15874C>T (p.Leu5292Phe)

Gene: MACF1 (microtubule actin crosslinking factor 1; plus strand). Cytogenetic location: 1p34.3.
Variant type: single nucleotide variant.
Coding change: c.15874C>T on transcript NM_001394062.1 (MANE Select); coding-DNA position 15874, C replaced by T.
Protein change: p.Leu5292Phe; replaces leucine 5292 with phenylalanine.
Molecular consequence: missense variant.
Genome position (GRCh38, 1-based): chr1:39,422,431, C>T. VCF-style: chr1-39422431-C-T. GRCh37 (hg19) VCF-style: chr1-39888103-C-T.
Other names: c.4270C>T, p.Leu1424Phe (NM_001397473.1); c.9688C>T, p.Leu3230Phe (NM_012090.5); short protein forms L5292F, L3230F, L1424F.
Identifiers: ClinVar variation 2975526 (VCV002975526.3), dbSNP rs574506146, ClinGen allele CA783210.
Genomic context (GRCh38, chr1:39,422,431, plus strand): 5'-TAGATGTTTCAGAAAGAACAAGTGGATCCTCTTCAGATGAAATTGCAGCAGGTGAATGGA[C>T]TTGGCCAGGGATTAATTCAGAGTGCAGGAAAAGACTGTGATGTACAGGGTTTAGAACATG-3'
Protein context (NP_001380991.1, residues 5282-5302): LQMKLQQVNG[Leu5292Phe]GQGLIQSAGK